The following is an entry in ClinVar:

NM_005477.3(HCN4):c.2194G>A (p.Gly732Ser)

Gene: HCN4 (hyperpolarization activated cyclic nucleotide gated potassium channel 4; minus strand). Cytogenetic location: 15q24.1.
Variant type: single nucleotide variant.
Coding change: c.2194G>A on transcript NM_005477.3 (MANE Select); coding-DNA position 2194, G replaced by A.
Protein change: p.Gly732Ser; replaces glycine 732 with serine.
Molecular consequence: missense variant.
Genome position (GRCh38, 1-based): chr15:73,323,899, C>T on the plus strand (G>A on the coding strand, the complement: HCN4 is on the minus strand). VCF-style: chr15-73323899-C-T. GRCh37 (hg19) VCF-style: chr15-73616240-C-T.
Other names: short protein forms G732S.
Identifiers: ClinVar variation 191452 (VCV000191452.14), dbSNP rs199530458, ClinGen allele CA236701.

ClinVar aggregate classification (germline): Uncertain significance. Review status: criteria provided, multiple submitters, no conflicts (2 of 4 stars). 4 submissions from 4 submitters: Uncertain significance (4). Last evaluated 2026-09-14.

Conditions:
Cardiovascular phenotype. Identifiers: MedGen CN230736.
Brugada syndrome 8 (BRGDA8). Identifiers: Orphanet 130, MedGen C2751083, MONDO:0013148, OMIM 613123.

Allele frequency attached by ClinVar (database versions not stated): ExAC 0.00001; TOPMed 0.00002; ESP Exome Variant Server 0.00008; gnomAD exomes 0.00001; gnomAD 0.00002.
gnomAD v4.1: 16 of 1,603,718 alleles (0.001%); highest among the groups gnomAD compares: Middle Eastern, 0.016%; no homozygotes.

Submissions (4):

Ambry Genetics
Classification: Uncertain significance for Cardiovascular phenotype. Last evaluated: 2026-09-14. Review status: criteria provided, single submitter. Criteria: Ambry Variant Classification Scheme 2023. Collection method: clinical testing. Allele origin: germline.
Comment: The p.G732S variant (also known as c.2194G>A), located in coding exon 8 of the HCN4 gene, results from a G to A substitution at nucleotide position 2194. The glycine at codon 732 is replaced by serine, an amino acid with similar properties. This amino acid position is highly conserved in available vertebrate species. In addition, the in silico prediction for this alteration is inconclusive. Based on the available evidence, the clinical significance of this variant remains unclear.

GeneDx
Classification: Uncertain significance. Last evaluated: 2025-06-05. Review status: criteria provided, single submitter. Criteria: GeneDx Variant Classification Process June 2021. Collection method: clinical testing. Allele origin: germline. Affected: yes.
Comment: Has not been previously published as pathogenic or benign to our knowledge; Not observed at significant frequency in large population cohorts (gnomAD); In silico analysis supports that this missense variant has a deleterious effect on protein structure/function

Labcorp Genetics (formerly Invitae), Labcorp
Classification: Uncertain significance for Brugada syndrome 8. Last evaluated: 2025-02-04. Review status: criteria provided, single submitter. Criteria: Invitae Variant Classification Sherloc (09022015). Collection method: clinical testing. Allele origin: germline.
Comment: This sequence change replaces glycine, which is neutral and non-polar, with serine, which is neutral and polar, at codon 732 of the HCN4 protein (p.Gly732Ser). This variant is present in population databases (rs199530458, gnomAD 0.007%). This variant has not been reported in the literature in individuals affected with HCN4-related conditions. ClinVar contains an entry for this variant (Variation ID: 191452). Invitae Evidence Modeling of protein sequence and biophysical properties (such as structural, functional, and spatial information, amino acid conservation, physicochemical variation, residue mobility, and thermodynamic stability) has been performed for this missense variant. However, the output from this modeling did not meet the statistical confidence thresholds required to predict the impact of this variant on HCN4 protein function. In summary, the available evidence is currently insufficient to determine the role of this variant in disease. Therefore, it has been classified as a Variant of Uncertain Significance.

Biesecker Lab/Clinical Genomics Section, National Institutes of Health
Classification: Uncertain significance. Last evaluated: 2013-06-24. Review status: criteria provided, single submitter. Criteria: Ng et al. (Circ Cardiovasc Genet. 2013). Collection method: research. Allele origin: unknown. Observed: 1 variant allele. Study: ClinSeq.
Comment: The study set was not selected for affection status in relation to any cancer. Pathogenicity categories were based on literature curation. See Pubmed ID:23861362 for details.

Medical sequencing